The following is an entry in ClinVar:

ClinVar aggregate classification (germline): Pathogenic (1 of 4 stars; one submission).

Conditions:
Hereditary cancer-predisposing syndrome. Also called: Neoplastic Syndromes, Hereditary; Hereditary Cancer Syndrome; Hereditary neoplastic syndrome; Tumor predisposition. Identifiers: Orphanet 140162, MedGen C0027672, MeSH D009386, MONDO:0015356.

Submission:

Ambry Genetics
Classification: Pathogenic for Hereditary cancer-predisposing syndrome. Last evaluated: 2017-07-26. Review status: criteria provided, single submitter. Criteria: Ambry Variant Classification Scheme 2023. Collection method: clinical testing. Allele origin: germline.
Comment: The p.E179* pathogenic mutation (also known as c.535G>T), located in coding exon 5 of the BRIP1 gene, results from a G to T substitution at nucleotide position 535. This changes the amino acid from a glutamic acid to a stop codon within coding exon 5. This alteration is expected to result in loss of function by premature protein truncation or nonsense-mediated mRNA decay. As such, this alteration is interpreted as a disease-causing mutation.

NM_032043.3(BRIP1):c.535G>T (p.Glu179Ter)

Gene: BRIP1 (BRCA1 interacting DNA helicase 1; minus strand). Cytogenetic location: 17q23.2.
Variant type: single nucleotide variant.
Coding change: c.535G>T on transcript NM_032043.3 (MANE Select); coding-DNA position 535, G replaced by T.
Protein change: p.Glu179Ter; replaces glutamic acid 179 with a stop codon.
Molecular consequence: nonsense.
Genome position (GRCh38, 1-based): chr17:61,847,193, C>A on the plus strand (G>T on the coding strand, the complement: BRIP1 is on the minus strand). VCF-style: chr17-61847193-C-A. GRCh37 (hg19) VCF-style: chr17-59924554-C-A.
Other names: short protein forms E179*.
Identifiers: ClinVar variation 479479 (VCV000479479.5), dbSNP rs1555615784, ClinGen allele CA400483260.